The following is an entry in ClinVar:

ClinVar aggregate classification (germline): Uncertain significance. Review status: criteria provided, multiple submitters, no conflicts (2 of 4 stars). 11 submissions from 11 submitters: Uncertain significance (10). 1 of the submissions does not count toward it. Last evaluated 2022-08-21.

Conditions:
Inborn genetic diseases. Identifiers: MedGen C0950123, MeSH D030342.
Very long chain acyl-CoA dehydrogenase deficiency (ACADVLD). Also called: VLCAD Deficiency; Very Long-Chain Acyl-Coenzyme A Dehydrogenase Deficiency. Identifiers: Orphanet 26793, MedGen C3887523, MONDO:0008723, OMIM 201475.

Allele frequency attached by ClinVar (database versions not stated): gnomAD 0.00003 and 0.00005; TOPMed 0.00003; gnomAD exomes 0.00009; ExAC 0.00012; ESP Exome Variant Server 0.00015.
gnomAD v4.1: 87 of 1,613,888 alleles (0.0054%); highest among the groups gnomAD compares: Middle Eastern, 0.082%; 1 homozygote.

Submissions (11):

Labcorp Genetics (formerly Invitae), Labcorp
Classification: Uncertain significance for Very long chain acyl-CoA dehydrogenase deficiency. Last evaluated: 2022-08-21. Review status: criteria provided, single submitter. Criteria: Invitae Variant Classification Sherloc (09022015). Collection method: clinical testing. Allele origin: germline.
Comment: This sequence change replaces alanine, which is neutral and non-polar, with valine, which is neutral and non-polar, at codon 585 of the ACADVL protein (p.Ala585Val). This variant is present in population databases (rs374729641, gnomAD 0.01%). This missense change has been observed in individual(s) with clinical features of ACADVL-related conditions (PMID: 25214167). ClinVar contains an entry for this variant (Variation ID: 287514). Algorithms developed to predict the effect of missense changes on protein structure and function are either unavailable or do not agree on the potential impact of this missense change (SIFT: "Deleterious"; PolyPhen-2: "Possibly Damaging"; Align-GVGD: "Class C0"). In summary, the available evidence is currently insufficient to determine the role of this variant in disease. Therefore, it has been classified as a Variant of Uncertain Significance.

Fulgent Genetics
Classification: Uncertain significance for Very long chain acyl-CoA dehydrogenase deficiency. Last evaluated: 2022-02-24. Review status: criteria provided, single submitter. Criteria: ACMG Guidelines, 2015. Collection method: clinical testing. Allele origin: unknown.

Ambry Genetics
Classification: Uncertain significance for Inborn genetic diseases. Last evaluated: 2022-01-25. Review status: criteria provided, single submitter. Criteria: Ambry Variant Classification Scheme 2023. Collection method: clinical testing. Allele origin: germline.

GeneDx
Classification: Uncertain significance. Last evaluated: 2021-12-13. Review status: criteria provided, single submitter. Criteria: GeneDx Variant Classification Process June 2021. Collection method: clinical testing. Allele origin: germline. Affected: yes.
Comment: Not observed at a significant frequency in large population cohorts (Lek et al., 2016); In silico analysis, which includes protein predictors and evolutionary conservation, supports a deleterious effect; Identified in the presence of a second ACADVL variant, phase unknown, in a patient with limb-girdle muscular dystrophy and histopathological dystrophic features, but no other phenotypic, metabolic, or familial information is available (Savarese et al., 2014); This variant is associated with the following publications: (PMID: 25214167)

Genome-Nilou Lab
Classification: Uncertain significance for Very long chain acyl-CoA dehydrogenase deficiency. Last evaluated: 2021-05-18. Review status: criteria provided, single submitter. Criteria: ACMG Guidelines, 2015. Collection method: clinical testing. Allele origin: germline. Affected: no.

CeGaT Center for Human Genetics Tuebingen
Classification: Uncertain significance. Last evaluated: 2021-04-01. Review status: criteria provided, single submitter. Criteria: CeGaT Center For Human Genetics Tuebingen Variant Classification Criteria Version 2. Collection method: clinical testing. Allele origin: germline. Affected: yes. Observed: 1 variant allele.

Wong Mito Lab, Molecular and Human Genetics, Baylor College of Medicine
Classification: Uncertain significance for Very long chain acyl-CoA dehydrogenase deficiency. Last evaluated: 2019-11-01. Review status: criteria provided, single submitter. Criteria: ACMG Guidelines, 2015. Collection method: clinical testing. Allele origin: germline.
Comment: The NM_000018.3:c.1754C>T (NP_000009.1:p.Ala585Val) [GRCH38: NC_000017.11:g.7224811C>T] variant in ACADVL gene is interpretated to be Uncertain Significance based on ACMG guidelines (PMID: 25741868). This variant has been reported. This variant meets the following evidence codes reported in the ACMG guidelines: PP3

ARUP Laboratories, Molecular Genetics and Genomics, ARUP Laboratories
Classification: Uncertain significance for Very long chain acyl-CoA dehydrogenase deficiency. Last evaluated: 2019-06-06. Review status: criteria provided, single submitter. Criteria: ARUP Molecular Germline Variant Investigation Process. Collection method: clinical testing. Allele origin: germline.
Comment: The ACADVL c.1754C>T; p.Ala585Val variant (rs374729641) is reported in the literature in at least one individual affected with a nonsyndromic muscle disorder, who carried a second pathogenic ACADVL variant (Savarese 2014). This variant is reported in ClinVar (Variation ID: 287514), and is found in the general population with an overall allele frequency of 0.009% (25/282600 alleles) in the Genome Aggregation Database. The alanine at codon 585 is highly conserved, and computational analyses (SIFT, PolyPhen-2) predict that this variant is deleterious. However, given the lack of clinical and functional data, the significance of the p.Ala585Val variant is uncertain at this time. References: Savarese M et al. MotorPlex provides accurate variant detection across large muscle genes both in single myopathic patients and in pools of DNA samples. Acta Neuropathol Commun. 2014 Sep 11;2:100.

Illumina Laboratory Services, Illumina
Classification: Uncertain significance for Very long chain acyl-CoA dehydrogenase deficiency. Last evaluated: 2018-01-13. Review status: criteria provided, single submitter. Criteria: ICSL Variant Classification Criteria 13 December 2019. Collection method: clinical testing. Allele origin: germline.

Eurofins Ntd Llc (ga)
Classification: Uncertain significance. Last evaluated: 2016-04-22. Review status: criteria provided, single submitter. Criteria: EGL Classification Definitions 2015. Collection method: clinical testing. Allele origin: germline. Observed: 1 variant allele, 1 heterozygote.

Natera, Inc.
Classification: Uncertain significance for Very long chain acyl-CoA dehydrogenase deficiency. Last evaluated: 2020-09-16. Review status: no assertion criteria provided. Collection method: clinical testing. Allele origin: germline. Not counted in ClinVar's aggregate classification.

Literature cited by the submitters: PubMed 25214167 (cited by Labcorp Genetics (formerly Invitae), Labcorp and Ambry Genetics).

NM_000018.4(ACADVL):c.1754C>T (p.Ala585Val)

Gene: ACADVL (acyl-CoA dehydrogenase very long chain; plus strand). Cytogenetic location: 17p13.1.
Variant type: single nucleotide variant.
Coding change: c.1754C>T on transcript NM_000018.4 (MANE Select); coding-DNA position 1754, C replaced by T.
Protein change: p.Ala585Val; replaces alanine 585 with valine.
Molecular consequence: missense variant.
Genome position (GRCh38, 1-based): chr17:7,224,811, C>T. VCF-style: chr17-7224811-C-T. GRCh37 (hg19) VCF-style: chr17-7128130-C-T.
Other names: c.1688C>T, p.Ala563Val (NM_001033859.3); c.1823C>T, p.Ala608Val (NM_001270447.2); c.1526C>T, p.Ala509Val (NM_001270448.2); short protein forms A585V, A509V, A608V, A563V.
Identifiers: ClinVar variation 287514 (VCV000287514.62), dbSNP rs374729641, ClinGen allele CA8338262.